The following is an entry in ClinVar:

ClinVar aggregate classification (germline): Uncertain significance. Review status: criteria provided, multiple submitters, no conflicts (2 of 4 stars). 3 submissions from 3 submitters: Uncertain significance (2). 1 of the submissions does not count toward it. Last evaluated 2026-01-19.

Conditions:
TNFRSF11A-related disorder. Also called: TNFRSF11A-related condition.

Allele frequency attached by ClinVar (database versions not stated): gnomAD exomes 0.00004 and 0.00008; gnomAD 0.00052 and 0.00058; TOPMed 0.00058; 1000 Genomes Project 30x 0.00094; 1000 Genomes Project 0.00100.
gnomAD v4.1: 138 of 1,471,676 alleles (0.0094%); highest among the groups gnomAD compares: African/African-American, 0.18%; no homozygotes.

Submissions (3):

Labcorp Genetics (formerly Invitae), Labcorp
Classification: Uncertain significance. Last evaluated: 2026-01-19. Review status: criteria provided, single submitter. Criteria: Invitae Variant Classification Sherloc (09022015). Collection method: clinical testing. Allele origin: germline.
Comment: This sequence change replaces glutamic acid, which is acidic and polar, with glycine, which is neutral and non-polar, at codon 602 of the TNFRSF11A protein (p.Glu602Gly). This variant is present in population databases (rs200750073, gnomAD 0.2%). This variant has not been reported in the literature in individuals affected with TNFRSF11A-related conditions. ClinVar contains an entry for this variant (Variation ID: 1482885). An algorithm developed to predict the effect of missense changes on protein structure and function outputs the following: PolyPhen-2: "Benign". The glycine amino acid residue is found in multiple mammalian species, which suggests that this missense change does not adversely affect protein function. In summary, the available evidence is currently insufficient to determine the role of this variant in disease. Therefore, it has been classified as a Variant of Uncertain Significance.

GeneDx
Classification: Uncertain significance. Last evaluated: 2022-03-04. Review status: criteria provided, single submitter. Criteria: GeneDx Variant Classification Process June 2021. Collection method: clinical testing. Allele origin: germline. Affected: yes.
Comment: In silico analysis supports that this missense variant does not alter protein structure/function; Has not been previously published as pathogenic or benign to our knowledge

PreventionGenetics, part of Exact Sciences
Classification: Likely benign for TNFRSF11A-related condition. Last evaluated: 2022-09-07. Review status: no assertion criteria provided. Collection method: clinical testing. Allele origin: germline. Not counted in ClinVar's aggregate classification.
Comment: This variant is classified as likely benign based on ACMG/AMP sequence variant interpretation guidelines (Richards et al. 2015 PMID: 25741868, with internal and published modifications).

NM_003839.4(TNFRSF11A):c.1805A>G (p.Glu602Gly)

Gene: TNFRSF11A (TNF receptor superfamily member 11a; plus strand). Cytogenetic location: 18q21.33.
Variant type: single nucleotide variant.
Coding change: c.1805A>G on transcript NM_003839.4 (MANE Select); coding-DNA position 1805, A replaced by G.
Protein change: p.Glu602Gly; replaces glutamic acid 602 with glycine.
Molecular consequence: missense variant. On other transcripts: 3 prime UTR variant (1).
Genome position (GRCh38, 1-based): chr18:62,384,988, A>G. VCF-style: chr18-62384988-A-G. GRCh37 (hg19) VCF-style: chr18-60052221-A-G.
Other names: c.1805A>G (NM_003839.3); c.*229A>G (NM_001270949.2); c.968A>G, p.Glu323Gly (NM_001270950.2); c.854A>G, p.Glu285Gly (NM_001270951.2); c.1763A>G, p.Glu588Gly (NM_001278268.2); short protein forms E588G, E602G, E285G, E323G.
Identifiers: ClinVar variation 1482885 (VCV001482885.10), dbSNP rs200750073, ClinGen allele CA8984053.